The following is an entry in ClinVar:

ClinVar aggregate classification (germline): Uncertain significance. Review status: criteria provided, multiple submitters, no conflicts (2 of 4 stars). 2 submissions from 2 submitters: Uncertain significance (2). Last evaluated 2026-03-03.

Conditions:
MYO6-related disorder. Also called: MYO6-related condition; MYO6-related disorders.

Allele frequency attached by ClinVar (database versions not stated): gnomAD exomes below 0.00001; gnomAD 0.00001; ExAC 0.00002; TOPMed 0.00002.
gnomAD v4.1: 9 of 1,614,038 alleles (0.00056%); highest among the groups gnomAD compares: East Asian, 0.018%; no homozygotes.

Submissions (2):

PreventionGenetics, part of Exact Sciences
Classification: Uncertain significance for MYO6-related condition. Last evaluated: 2026-03-03. Review status: criteria provided, single submitter. Criteria: ACMG Guidelines, 2015. Collection method: clinical testing. Allele origin: germline.
Comment: The MYO6 c.1627T>C variant is predicted to result in the amino acid substitution p.Phe543Leu. To our knowledge, this variant has not been reported in the literature. This variant is reported in 0.016% of alleles in individuals of East Asian descent in gnomAD. At this time, the clinical significance of this variant is uncertain due to the absence of conclusive functional and genetic evidence.

Labcorp Genetics (formerly Invitae), Labcorp
Classification: Uncertain significance. Last evaluated: 2024-01-10. Review status: criteria provided, single submitter. Criteria: Invitae Variant Classification Sherloc (09022015). Collection method: clinical testing. Allele origin: germline.
Comment: This sequence change replaces phenylalanine, which is neutral and non-polar, with leucine, which is neutral and non-polar, at codon 543 of the MYO6 protein (p.Phe543Leu). This variant is present in population databases (rs781420580, gnomAD 0.02%). This variant has not been reported in the literature in individuals affected with MYO6-related conditions. Advanced modeling of protein sequence and biophysical properties (such as structural, functional, and spatial information, amino acid conservation, physicochemical variation, residue mobility, and thermodynamic stability) performed at Invitae indicates that this missense variant is expected to disrupt MYO6 protein function with a positive predictive value of 80%. In summary, the available evidence is currently insufficient to determine the role of this variant in disease. Therefore, it has been classified as a Variant of Uncertain Significance.

NM_004999.4(MYO6):c.1627T>C (p.Phe543Leu)

Gene: MYO6 (myosin VI; plus strand). Cytogenetic location: 6q14.1.
Variant type: single nucleotide variant.
Coding change: c.1627T>C on transcript NM_004999.4 (MANE Select); coding-DNA position 1627, T replaced by C.
Protein change: p.Phe543Leu; replaces phenylalanine 543 with leucine.
Molecular consequence: missense variant. On other transcripts: non-coding transcript variant (1).
Genome position (GRCh38, 1-based): chr6:75,862,676, T>C. VCF-style: chr6-75862676-T-C. GRCh37 (hg19) VCF-style: chr6-76572393-T-C.
Other names: c.1627T>C, p.Phe543Leu (NM_001300899.2, NM_001368136.1, NM_001368137.1 and 2 more transcripts); c.1612T>C, p.Phe538Leu (NM_001368138.1); c.1627T>C (NM_004999.3); short protein forms F543L, F538L.
Identifiers: ClinVar variation 2781020 (VCV002781020.4), dbSNP rs781420580, ClinGen allele CA3897165.